The following is an entry in ClinVar:

ClinVar aggregate classification (germline): Uncertain significance. Review status: criteria provided, multiple submitters, no conflicts (2 of 4 stars). 3 submissions from 3 submitters: Uncertain significance (3). Last evaluated 2025-12-16.

Conditions:
Perry syndrome. Also called: PARKINSONISM WITH ALVEOLAR HYPOVENTILATION AND MENTAL DEPRESSION. Identifiers: Orphanet 178509, MedGen C1868594, MONDO:0008201, OMIM 168605.
Neuronopathy, distal hereditary motor, type 7B. Also called: HMN VIIB; LOWER MOTOR NEURON DISEASE, DYNACTIN TYPE; NEURONOPATHY, DISTAL HEREDITARY MOTOR, AUTOSOMAL DOMINANT 14; NEURONOPATHY, DISTAL HEREDITARY MOTOR, HARDING TYPE VIIB; NEUROPATHY, DISTAL HEREDITARY MOTOR, HARDING TYPE VIIB; NEUROPATHY, DISTAL HEREDITARY MOTOR, WITH VOCAL CORD PARALYSIS, HARDING TYPE VIIB. Identifiers: Orphanet 139589, MedGen C1843315, MONDO:0011879, OMIM 607641.
Amyotrophic lateral sclerosis type 1 (ALS1). Also called: AMYOTROPHIC LATERAL SCLEROSIS 1, FAMILIAL. Identifiers: Orphanet 803, MedGen C1862939, MONDO:0007103, OMIM 105400.

Allele frequency attached by ClinVar (database versions not stated): gnomAD 0.00002; ExAC 0.00006; TOPMed 0.00006.
gnomAD v4.1: 67 of 1,612,144 alleles (0.0042%); highest among the groups gnomAD compares: Non-Finnish European, 0.0048%; no homozygotes.

Submissions (3):

Labcorp Genetics (formerly Invitae), Labcorp
Classification: Uncertain significance for Amyotrophic lateral sclerosis type 1; Neuronopathy, distal hereditary motor, type 7B; Perry syndrome. Last evaluated: 2025-12-16. Review status: criteria provided, single submitter. Criteria: Invitae Variant Classification Sherloc (09022015). Collection method: clinical testing. Allele origin: germline.
Comment: This sequence change replaces threonine, which is neutral and polar, with methionine, which is neutral and non-polar, at codon 826 of the DCTN1 protein (p.Thr826Met). This variant is present in population databases (rs766585070, gnomAD 0.008%). This variant has not been reported in the literature in individuals affected with DCTN1-related conditions. ClinVar contains an entry for this variant (Variation ID: 536148). Invitae Evidence Modeling of protein sequence and biophysical properties (such as structural, functional, and spatial information, amino acid conservation, physicochemical variation, residue mobility, and thermodynamic stability) indicates that this missense variant is not expected to disrupt DCTN1 protein function with a negative predictive value of 95%. In summary, the available evidence is currently insufficient to determine the role of this variant in disease. Therefore, it has been classified as a Variant of Uncertain Significance.

Mayo Clinic Laboratories, Mayo Clinic
Classification: Uncertain significance. Last evaluated: 2025-04-21. Review status: criteria provided, single submitter. Criteria: ACMG Guidelines, 2015. Collection method: clinical testing. Allele origin: germline. Observed: 1 variant allele.

CeGaT Center for Human Genetics Tuebingen
Classification: Uncertain significance. Last evaluated: 2023-01-01. Review status: criteria provided, single submitter. Criteria: CeGaT Center For Human Genetics Tuebingen Variant Classification Criteria Version 2. Collection method: clinical testing. Allele origin: germline. Affected: yes. Observed: 1 variant allele.
Comment: DCTN1: PM2

NM_004082.5(DCTN1):c.2477C>T (p.Thr826Met)

Gene: DCTN1 (dynactin subunit 1; minus strand). Cytogenetic location: 2p13.1.
Variant type: single nucleotide variant.
Coding change: c.2477C>T on transcript NM_004082.5 (MANE Select); coding-DNA position 2477, C replaced by T.
Protein change: p.Thr826Met; replaces threonine 826 with methionine.
Molecular consequence: missense variant. On other transcripts: non-coding transcript variant (1).
Genome position (GRCh38, 1-based): chr2:74,366,610, G>A on the plus strand (C>T on the coding strand, the complement: DCTN1 is on the minus strand). VCF-style: chr2-74366610-G-A. GRCh37 (hg19) VCF-style: chr2-74593737-G-A.
Other names: p.Thr826Met; c.2417C>T, p.Thr806Met (NM_001135040.3); c.2075C>T, p.Thr692Met (NM_001135041.3, NM_023019.4); c.2366C>T, p.Thr789Met (NM_001190836.2); c.2456C>T, p.Thr819Met (NM_001190837.2); c.2426C>T, p.Thr809Met (NM_001378991.1); c.2408C>T, p.Thr803Met (NM_001378992.1); short protein forms T692M, T789M, T826M, T819M, T806M, T803M, T809M.
Identifiers: ClinVar variation 536148 (VCV000536148.39), dbSNP rs766585070, ClinGen allele CA1721820.